The following is an entry in ClinVar:

ClinVar aggregate classification (germline): Uncertain significance (1 of 4 stars; one submission).

Conditions:
Chuvash polycythemia. Also called: POLYCYTHEMIA, VHL-DEPENDENT. Identifiers: Orphanet 238557, MedGen C1837915, MONDO:0009892, OMIM 263400.
Von Hippel-Lindau syndrome (VHLS). Also called: VHL syndrome; von Hippel–Lindau syndrome; Von Hippel-Lindau. Identifiers: Orphanet 892, MedGen C0019562, MONDO:0008667, OMIM 193300. Disease mechanism: loss of function.

Submission:

Labcorp Genetics (formerly Invitae), Labcorp
Classification: Uncertain significance for Von Hippel-Lindau syndrome; Chuvash polycythemia. Last evaluated: 2023-08-17. Review status: criteria provided, single submitter. Criteria: Invitae Variant Classification Sherloc (09022015). Collection method: clinical testing. Allele origin: germline.
Comment: In summary, the available evidence is currently insufficient to determine the role of this variant in disease. Therefore, it has been classified as a Variant of Uncertain Significance. Experimental studies and prediction algorithms are not available or were not evaluated, and the functional significance of this variant is currently unknown. ClinVar contains an entry for this variant (Variation ID: 1019042). This variant has not been reported in the literature in individuals affected with VHL-related conditions. This variant is not present in population databases (gnomAD no frequency). This variant, c.93_122dup, results in the insertion of 10 amino acid(s) of the VHL protein (p.Ala35_Gly44dup), but otherwise preserves the integrity of the reading frame.

NM_000551.4(VHL):c.93_122dup (p.Ala35_Gly44dup)

Gene: VHL (von Hippel-Lindau tumor suppressor; plus strand). Cytogenetic location: 3p25.3.
Variant type: Duplication.
Coding change: c.93_122dup on transcript NM_000551.4 (MANE Select); coding-DNA positions 93 to 122, 30 bases duplicated (GGAGTCGGGCGCCGAGGAGTCCGGCCCGGA).
Protein change: p.Ala35_Gly44dup.
Molecular consequence: inframe insertion.
Genome position (GRCh38, 1-based): chr3:10,141,940-10,141,969, GGAGTCGGGCGCCGAGGAGTCCGGCCCGGA duplicated; duplicating any 30 consecutive bases within chr3:10,141,937-10,141,969 gives the same sequence; the c. name uses the placement nearest the transcript's 3' end. VCF-style (leftmost placement, unchanged base first): chr3-10141936-G-GGGAGGAGTCGGGCGCCGAGGAGTCCGGCCC. GRCh37 (hg19) VCF-style: chr3-10183620-G-GGGAGGAGTCGGGCGCCGAGGAGTCCGGCCC.
Other names: c.93_122dup, p.Ala35_Gly44dup (NM_001354723.2, NM_198156.3).
Identifiers: ClinVar variation 1019042 (VCV001019042.11), dbSNP rs1696119887, ClinGen allele CA1345065181.
Genomic context (GRCh38, chr3:10,141,936, plus strand): 5'-AGGCCGAGGTAGGCGCGGAGGAGGCAGGCGTCGAAGAGTACGGCCCTGAAGAAGACGGCG[G>GGGAGGAGTCGGGCGCCGAGGAGTCCGGCCC]GGAGGAGTCGGGCGCCGAGGAGTCCGGCCCGGAAGAGTCCGGCCCGGAGGAACTGGGCGC-3'